The following is an entry in ClinVar:

ClinVar aggregate classification (germline): Uncertain significance (1 of 4 stars; one submission).

gnomAD v4.1: 1 of 1,601,032 alleles (0.000062%); highest among the groups gnomAD compares: Non-Finnish European, 0.000085%; no homozygotes.

Submission:

Ambry Genetics
Classification: Uncertain significance. Last evaluated: 2025-07-18. Review status: criteria provided, single submitter. Criteria: Ambry Variant Classification Scheme 2023. Collection method: clinical testing. Allele origin: germline.
Comment: The p.A425V variant (also known as c.1274C>T), located in coding exon 13 of the SRP72 gene, results from a C to T substitution at nucleotide position 1274. The alanine at codon 425 is replaced by valine, an amino acid with similar properties. This amino acid position is conserved. In addition, this alteration is predicted to be deleterious by in silico analysis. Based on the available evidence, the clinical significance of this variant remains unclear.

NM_006947.4(SRP72):c.1274C>T (p.Ala425Val)

Gene: SRP72 (signal recognition particle 72; plus strand). Cytogenetic location: 4q12.
Variant type: single nucleotide variant.
Coding change: c.1274C>T on transcript NM_006947.4 (MANE Select); coding-DNA position 1274, C replaced by T.
Protein change: p.Ala425Val; replaces alanine 425 with valine.
Molecular consequence: missense variant. On other transcripts: non-coding transcript variant (1).
Genome position (GRCh38, 1-based): chr4:56,489,437, C>T. VCF-style: chr4-56489437-C-T. GRCh37 (hg19) VCF-style: chr4-57355603-C-T.
Other names: c.1091C>T, p.Ala364Val (NM_001267722.2); short protein forms A425V, A364V.
Identifiers: ClinVar variation 4174935 (VCV004174935.1).